The following is an entry in ClinVar:

ClinVar aggregate classification (germline): Uncertain significance (1 of 4 stars; one submission).

Submission:

GeneDx
Classification: Uncertain significance. Last evaluated: 2025-06-10. Review status: criteria provided, single submitter. Criteria: GeneDx Variant Classification Process June 2021. Collection method: clinical testing. Allele origin: germline. Affected: yes.
Comment: Not observed at significant frequency in large population cohorts (gnomAD); In silico analysis supports that this missense variant has a deleterious effect on protein structure/function; Has not been previously published as pathogenic or benign to our knowledge; Variants in candidate genes are classified as variants of uncertain significance in accordance with ACMG guidelines (PMID: 25741868)

NM_002819.5(PTBP1):c.646T>G (p.Phe216Val)

Gene: PTBP1 (polypyrimidine tract binding protein 1; plus strand). Cytogenetic location: 19p13.3.
Variant type: single nucleotide variant.
Coding change: c.646T>G on transcript NM_002819.5 (MANE Select); coding-DNA position 646, T replaced by G.
Protein change: p.Phe216Val; replaces phenylalanine 216 with valine.
Molecular consequence: missense variant.
Genome position (GRCh38, 1-based): chr19:804,868, T>G. VCF-style: chr19-804868-T-G. GRCh37 (hg19) VCF-style: chr19-804868-T-G.
Other names: c.652T>G, p.Phe218Val (NM_001411140.1); c.646T>G, p.Phe216Val (NM_031990.4, NM_031991.4); short protein forms F216V, F218V.
Identifiers: ClinVar variation 4537908 (VCV004537908.1).
Genomic context (GRCh38, chr19:804,868, plus strand): 5'-GCTGTGGCCCGGGACCTGCAGATTTTCTCCAAGTTCGGCACAGTGTTGAAGATCATCACC[T>G]TCACCAAGAACAACCAGTTCCAGGCCCTGCTGCAGTATGCGGACCCCGTGAGCGCCCAGC-3'
Protein context (NP_002810.1, residues 206-226): KFGTVLKIIT[Phe216Val]TKNNQFQALL